The following is an entry in ClinVar:

ClinVar aggregate classification (germline): Likely benign (0 of 4 stars; one submission).

Conditions:
DDOST-related disorder. Also called: DDOST-related condition.

Allele frequency attached by ClinVar (database versions not stated): gnomAD 0.00001.

Submission:

PreventionGenetics, part of Exact Sciences
Classification: Likely benign for DDOST-related condition. Last evaluated: 2021-02-17. Review status: no assertion criteria provided. Collection method: clinical testing. Allele origin: germline.
Comment: This variant is classified as likely benign based on ACMG/AMP sequence variant interpretation guidelines (Richards et al. 2015 PMID: 25741868, with internal and published modifications).

NM_005216.5(DDOST):c.*10G>A

Gene: DDOST (dolichyl-diphosphooligosaccharide--protein glycosyltransferase non-catalytic subunit; minus strand). Cytogenetic location: 1p36.12.
Variant type: single nucleotide variant.
Coding change: c.*10G>A on transcript NM_005216.5 (MANE Select); 10 bases downstream of the stop codon, G replaced by A.
Molecular consequence: 3 prime UTR variant.
Genome position (GRCh38, 1-based): chr1:20,652,369, C>T on the plus strand (G>A on the coding strand, the complement: DDOST is on the minus strand). VCF-style: chr1-20652369-C-T. GRCh37 (hg19) VCF-style: chr1-20978862-C-T.
Identifiers: ClinVar variation 3031509 (VCV003031509.2), dbSNP rs2053302430, ClinGen allele CA416504752.